The following is an entry in ClinVar:

ClinVar aggregate classification (germline): Uncertain significance (1 of 4 stars; one submission).

Allele frequency attached by ClinVar (database versions not stated): gnomAD exomes below 0.00001; TOPMed below 0.00001; gnomAD 0.00001.
gnomAD v4.1: 2 of 1,604,202 alleles (0.00012%); highest among the groups gnomAD compares: Non-Finnish European, 0.00017%; no homozygotes.

Submission:

Labcorp Genetics (formerly Invitae), Labcorp
Classification: Uncertain significance. Last evaluated: 2022-06-15. Review status: criteria provided, single submitter. Criteria: Invitae Variant Classification Sherloc (09022015). Collection method: clinical testing. Allele origin: germline.
Comment: In summary, the available evidence is currently insufficient to determine the role of this variant in disease. Therefore, it has been classified as a Variant of Uncertain Significance. Variants that disrupt the consensus splice site are a relatively common cause of aberrant splicing (PMID: 17576681, 9536098). Algorithms developed to predict the effect of sequence changes on RNA splicing suggest that this variant may disrupt the consensus splice site. This variant has not been reported in the literature in individuals affected with COL18A1-related conditions. This variant is not present in population databases (gnomAD no frequency). This sequence change falls in intron 5 of the COL18A1 gene. It does not directly change the encoded amino acid sequence of the COL18A1 protein. It affects a nucleotide within the consensus splice site.

Literature cited by the submitters: PubMed 17576681; PubMed 9536098.

NM_001379500.1(COL18A1):c.798+3G>C

Gene: COL18A1 (collagen type XVIII alpha 1 chain; plus strand). Cytogenetic location: 21q22.3.
Variant type: single nucleotide variant.
Coding change: c.798+3G>C on transcript NM_001379500.1 (MANE Select); 3 bases into the intron after coding-DNA position 798, G replaced by C.
Molecular consequence: intron variant.
Genome position (GRCh38, 1-based): chr21:45,475,538, G>C. VCF-style: chr21-45475538-G-C. GRCh37 (hg19) VCF-style: chr21-46895452-G-C.
Other names: c.2043+3G>C (NM_130444.3); c.1338+3G>C (NM_030582.4).
Identifiers: ClinVar variation 2006960 (VCV002006960.4), dbSNP rs1056130189, ClinGen allele CA321913013.
Genomic context (GRCh38, chr21:45,475,538, plus strand): 5'-ATCCGGAGACTCTGGCAGCGGGCTCGGGGACGCCCGGGAGCTTCTCAGGGAGGAGACGGT[G>C]AGTAGCCGGACGGGGCCCAGCCCACGCTGCAGGGTCCCGGGAGAGCCCCTCCCAGCAGTG-3'